The following is an entry in ClinVar:

NM_000181.4(GUSB):c.1477-1G>C

Genes: GUSB (glucuronidase beta; minus strand), LOC126860055 (MED14-independent group 3 enhancer GRCh37_chr7:65432190-65433389; plus strand). Cytogenetic location: 7q11.21.
Variant type: single nucleotide variant.
Coding change: c.1477-1G>C on transcript NM_000181.4 (MANE Select); the canonical splice acceptor site of the intron before coding-DNA position 1477, G replaced by C.
Molecular consequence: splice acceptor variant.
Genome position (GRCh38, 1-based): chr7:65,967,908, C>G on the plus strand (G>C on the coding strand, the complement: GUSB is on the minus strand). VCF-style: chr7-65967908-C-G. GRCh37 (hg19) VCF-style: chr7-65432895-C-G.
Other names: c.820-1G>C (NM_001293105.2); c.907-1G>C (NM_001293104.2); c.1039-1G>C (NM_001284290.2).
Identifiers: ClinVar variation 2781212 (VCV002781212.3), dbSNP rs2484765979, ClinGen allele CA367640608.
Genomic context (GRCh38, chr7:65,967,908, plus strand): 5'-CCCGTAGTCGTGATACCAAGAGTAGTAGCTGTTCAAACAGATCACATCCACATACGGAGC[C>G]TAGGACCAGAGCAGCAGAGCCCGTTCAGCACTCAGTAGACAGCATGACTCAGCATTCACA-3'

ClinVar aggregate classification (germline): Likely pathogenic (1 of 4 stars; one submission).

Conditions:
Mucopolysaccharidosis type 7 (MPS7). Also called: SLY SYNDROME; MPS VII; BETA-GLUCURONIDASE DEFICIENCY; GUSB DEFICIENCY. Identifiers: Orphanet 584, MedGen C0085132, MONDO:0009662, OMIM 253220.

Submission:

Labcorp Genetics (formerly Invitae), Labcorp
Classification: Likely pathogenic for Mucopolysaccharidosis type 7. Last evaluated: 2023-05-01. Review status: criteria provided, single submitter. Criteria: Invitae Variant Classification Sherloc (09022015). Collection method: clinical testing. Allele origin: germline.
Comment: This variant has not been reported in the literature in individuals affected with GUSB-related conditions. This sequence change affects an acceptor splice site in intron 9 of the GUSB gene. It is expected to disrupt RNA splicing. Variants that disrupt the donor or acceptor splice site typically lead to a loss of protein function (PMID: 16199547), and loss-of-function variants in GUSB are known to be pathogenic (PMID: 19224584). This variant is not present in population databases (gnomAD no frequency). Algorithms developed to predict the effect of sequence changes on RNA splicing suggest that this variant may disrupt the consensus splice site. In summary, the currently available evidence indicates that the variant is pathogenic, but additional data are needed to prove that conclusively. Therefore, this variant has been classified as Likely Pathogenic.

Literature cited by the submitters: PubMed 16199547; PubMed 19224584.